The following is an entry in ClinVar:

NM_005591.4(MRE11):c.740A>G (p.His247Arg)

Gene: MRE11 (MRE11 double strand break repair nuclease; minus strand). Cytogenetic location: 11q21.
Variant type: single nucleotide variant.
Coding change: c.740A>G on transcript NM_005591.4 (MANE Select); coding-DNA position 740, A replaced by G.
Protein change: p.His247Arg; replaces histidine 247 with arginine.
Molecular consequence: missense variant.
Genome position (GRCh38, 1-based): chr11:94,471,679, T>C on the plus strand (A>G on the coding strand, the complement: MRE11 is on the minus strand). VCF-style: chr11-94471679-T-C. GRCh37 (hg19) VCF-style: chr11-94204845-T-C.
Other names: c.740A>G, p.His247Arg (NM_001330347.2, NM_005590.4); short protein forms H247R.
Identifiers: ClinVar variation 231725 (VCV000231725.13), dbSNP rs876659322, ClinGen allele CA10579399.
Genomic context (GRCh38, chr11:94,471,679, plus strand): 5'-CCAGGTTGTGAGATATAAAACAGCTGTTGTTCATTTTTGGTTGGAGCTATTTTACACTCA[T>C]GTTCATGGCCCCAGATAACAAGATCAATGAAGTCATCCAAAAATTGTTCTGGAATGAAGT-3'
Protein context (NP_005582.1, residues 237-257): FIDLVIWGHE[His247Arg]ECKIAPTKNE

ClinVar aggregate classification (germline): Uncertain significance. Review status: criteria provided, multiple submitters, no conflicts (2 of 4 stars). 2 submissions from 2 submitters: Uncertain significance (2). Last evaluated 2025-06-10.

Conditions:
Hereditary cancer-predisposing syndrome. Also called: Neoplastic Syndromes, Hereditary; Tumor predisposition; Hereditary Cancer Syndrome; Hereditary neoplastic syndrome. Identifiers: Orphanet 140162, MedGen C0027672, MeSH D009386, MONDO:0015356.
Ataxia-telangiectasia-like disorder (ATLD). Identifiers: MedGen C1858391, MONDO:0011457.

Allele frequency attached by ClinVar (database versions not stated): gnomAD exomes below 0.00001; gnomAD 0.00001; TOPMed 0.00003.
gnomAD v4.1: 4 of 1,612,768 alleles (0.00025%); highest among the groups gnomAD compares: African/African-American, 0.004%; no homozygotes.

Submissions (2):

Ambry Genetics
Classification: Uncertain significance for Hereditary cancer-predisposing syndrome. Last evaluated: 2025-06-10. Review status: criteria provided, single submitter. Criteria: Ambry Variant Classification Scheme 2023. Collection method: clinical testing. Allele origin: germline.

Labcorp Genetics (formerly Invitae), Labcorp
Classification: Uncertain significance for Ataxia-telangiectasia-like disorder. Last evaluated: 2025-04-17. Review status: criteria provided, single submitter. Criteria: Invitae Variant Classification Sherloc (09022015). Collection method: clinical testing. Allele origin: germline.
Comment: This sequence change replaces histidine, which is basic and polar, with arginine, which is basic and polar, at codon 247 of the MRE11 protein (p.His247Arg). This variant is not present in population databases (gnomAD no frequency). This variant has not been reported in the literature in individuals affected with MRE11-related conditions. ClinVar contains an entry for this variant (Variation ID: 231725). An algorithm developed to predict the effect of missense changes on protein structure and function (PolyPhen-2) suggests that this variant is likely to be disruptive. In summary, the available evidence is currently insufficient to determine the role of this variant in disease. Therefore, it has been classified as a Variant of Uncertain Significance.